The following is an entry in ClinVar:

ClinVar aggregate classification (germline): Conflicting classifications of pathogenicity. Review status: criteria provided, conflicting classifications (1 of 4 stars). 2 submissions from 2 submitters: Uncertain significance (1); Likely benign (1). Last evaluated 2026-01-12.

Conditions:
Inborn genetic diseases. Identifiers: MedGen C0950123, MeSH D030342.
Developmental and epileptic encephalopathy, 30 (DEE30). Also called: Epileptic encephalopathy, early infantile, 30. Identifiers: MedGen C4225360, MONDO:0014595, OMIM 616341.

Allele frequency attached by ClinVar (database versions not stated): ExAC 0.00081.

Submissions (2):

Labcorp Genetics (formerly Invitae), Labcorp
Classification: Likely benign for Developmental and epileptic encephalopathy, 30. Last evaluated: 2026-01-12. Review status: criteria provided, single submitter. Criteria: Invitae Variant Classification Sherloc (09022015). Collection method: clinical testing. Allele origin: germline.

Ambry Genetics
Classification: Uncertain significance for Inborn genetic diseases. Last evaluated: 2016-12-20. Review status: criteria provided, single submitter. Criteria: Ambry Variant Classification Scheme 2023. Collection method: clinical testing. Allele origin: germline.
Comment: The p.P696S variant (also known as c.2086C>T), located in coding exon 13 of the SIK1 gene, results from a C to T substitution at nucleotide position 2086. The proline at codon 696 is replaced by serine, an amino acid with similar properties. This amino acid position is poorly conserved in available vertebrate species. In addition, this alteration is predicted to be tolerated by in silico analysis. Since supporting evidence is limited at this time, the clinical significance of this alteration remains unclear.

NM_173354.5(SIK1):c.2086C>T (p.Pro696Ser)

Gene: SIK1 (salt inducible kinase 1; minus strand). Cytogenetic location: 21q22.3.
Variant type: single nucleotide variant.
Coding change: c.2086C>T on transcript NM_173354.5 (MANE Select); coding-DNA position 2086, C replaced by T.
Protein change: p.Pro696Ser; replaces proline 696 with serine.
Molecular consequence: missense variant.
Genome position (GRCh38, 1-based): chr21:43,417,008, G>A on the plus strand (C>T on the coding strand, the complement: SIK1 is on the minus strand). VCF-style: chr21-43417008-G-A. GRCh37 (hg19) VCF-style: chr21-44836888-G-A.
Other names: short protein forms P696S.
Identifiers: ClinVar variation 588580 (VCV000588580.13), dbSNP rs778637849, ClinGen allele CA321324486.